The following is an entry in ClinVar:

ClinVar aggregate classification (germline): Uncertain significance. Review status: criteria provided, multiple submitters, no conflicts (2 of 4 stars). 4 submissions from 4 submitters: Uncertain significance (4). Last evaluated 2026-02-07.

Conditions:
Inborn genetic diseases. Identifiers: MedGen C0950123, MeSH D030342.

Allele frequency attached by ClinVar (database versions not stated): gnomAD 0.00005 and 0.00008; TOPMed 0.00006; ExAC 0.00007; gnomAD exomes 0.00010.
gnomAD v4.1: 111 of 1,613,304 alleles (0.0069%); highest among the groups gnomAD compares: Middle Eastern, 0.4%; 3 homozygotes.

Submissions (4):

GeneDx
Classification: Uncertain significance. Last evaluated: 2026-02-07. Review status: criteria provided, single submitter. Criteria: GeneDx Variant Classification Process June 2021. Collection method: clinical testing. Allele origin: germline.
Comment: In silico analysis suggests that this missense variant does not alter protein structure/function; Has not been previously published as pathogenic or benign to our knowledge

Ambry Genetics
Classification: Uncertain significance for Inborn genetic diseases. Last evaluated: 2024-10-19. Review status: criteria provided, single submitter. Criteria: Ambry Variant Classification Scheme 2023. Collection method: clinical testing. Allele origin: germline.

Labcorp Genetics (formerly Invitae), Labcorp
Classification: Uncertain significance. Last evaluated: 2022-08-12. Review status: criteria provided, single submitter. Criteria: Invitae Variant Classification Sherloc (09022015). Collection method: clinical testing. Allele origin: germline.
Comment: This sequence change replaces glutamine, which is neutral and polar, with glutamic acid, which is acidic and polar, at codon 742 of the SLITRK6 protein (p.Gln742Glu). This variant is present in population databases (rs759478977, gnomAD 0.05%), including at least one homozygous and/or hemizygous individual. This variant has not been reported in the literature in individuals affected with SLITRK6-related conditions. ClinVar contains an entry for this variant (Variation ID: 1353050). Algorithms developed to predict the effect of missense changes on protein structure and function (SIFT, PolyPhen-2, Align-GVGD) all suggest that this variant is likely to be tolerated. In summary, the available evidence is currently insufficient to determine the role of this variant in disease. Therefore, it has been classified as a Variant of Uncertain Significance.

Breakthrough Genomics
Classification: Uncertain significance. Review status: criteria provided, single submitter. Criteria: ACMG Guidelines, 2015. Collection method: not provided. Allele origin: germline. Inheritance: Autosomal recessive inheritance. Affected: yes.

NM_032229.3(SLITRK6):c.2224C>G (p.Gln742Glu)

Gene: SLITRK6 (SLIT and NTRK like family member 6; minus strand). Cytogenetic location: 13q31.1.
Variant type: single nucleotide variant.
Coding change: c.2224C>G on transcript NM_032229.3 (MANE Select); coding-DNA position 2224, C replaced by G.
Protein change: p.Gln742Glu; replaces glutamine 742 with glutamic acid.
Molecular consequence: missense variant.
Genome position (GRCh38, 1-based): chr13:85,794,285, G>C on the plus strand (C>G on the coding strand, the complement: SLITRK6 is on the minus strand). VCF-style: chr13-85794285-G-C. GRCh37 (hg19) VCF-style: chr13-86368420-G-C.
Other names: c.2224C>G (NM_032229.2); short protein forms Q742E.
Identifiers: ClinVar variation 1353050 (VCV001353050.7), dbSNP rs759478977, ClinGen allele CA7014936.
Genomic context (GRCh38, chr13:85,794,285, plus strand): 5'-TTTCTAAAATGTTTCTGTACAATGAGCTGGCATCTTGGAAGGATAAAAATTCTGTTGATT[G>C]GTTCGTGGTTTTGTATTTCATATTTGACCCTGTGAGTGGTGAATGATTTTCCTGTTCCAA-3'
Protein context (NP_115605.2, residues 732-752): GSNMKYKTTN[Gln742Glu]STEFLSFQDA